The following is an entry in ClinVar:

NM_000836.4(GRIN2D):c.3338C>T (p.Ser1113Leu)

Gene: GRIN2D (glutamate ionotropic receptor NMDA type subunit 2D; plus strand). Cytogenetic location: 19q13.33.
Variant type: single nucleotide variant.
Coding change: c.3338C>T on transcript NM_000836.4 (MANE Select); coding-DNA position 3338, C replaced by T.
Protein change: p.Ser1113Leu; replaces serine 1113 with leucine.
Molecular consequence: missense variant.
Genome position (GRCh38, 1-based): chr19:48,443,264, C>T. VCF-style: chr19-48443264-C-T. GRCh37 (hg19) VCF-style: chr19-48946521-C-T.
Other names: short protein forms S1113L.
Identifiers: ClinVar variation 4879269 (VCV004879269.2).
Genomic context (GRCh38, chr19:48,443,264, plus strand): 5'-CGCCCCCGTGCCGCGCCGCGCCGCCCCCGTGCCCTTACCTCGATCTCGAGCCGTCGCCGT[C>T]GGACTCGGAGGACTCGGAGAGCCTGGGCGGCGCGTCGCTGGGCGGCCTGGAGCCCTGGTG-3'
Protein context (NP_000827.2, residues 1103-1123): CPYLDLEPSP[Ser1113Leu]DSEDSESLGG

ClinVar aggregate classification (germline): Uncertain significance. Review status: criteria provided, multiple submitters, no conflicts (2 of 4 stars). 2 submissions from 2 submitters: Uncertain significance (2). Last evaluated 2026-04-14.

Conditions:
Developmental and epileptic encephalopathy, 46 (DEE46). Also called: Epileptic encephalopathy, early infantile, 46; GRIN2D-Related Developmental and Epileptic Encephalopathy. Identifiers: MedGen C4310687, MONDO:0014947, OMIM 617162.

Submissions (2):

Clinical Genomics Laboratory, Washington University in St. Louis
Classification: Uncertain significance for Developmental and epileptic encephalopathy, 46. Last evaluated: 2026-04-14. Review status: criteria provided, single submitter. Criteria: ACMG Guidelines, 2015. Collection method: clinical testing. Allele origin: germline.
Comment: The GRIN2D c.3338C>T (p.Ser1113Leu) variant, to our knowledge, has not been reported in the medical literature. This variant is absent from the general population (gnomAD v2.1.1), indicating it is not a common variant. Computational predictors suggest that the variant does not impact GRIN2D function. Due to limited information, and based on ACMG/AMP guidelines for variant interpretation (Richards S et al., PMID: 25741868), the clinical significance of this variant is uncertain at this time.

Blueprint Genetics
Classification: Uncertain significance. Last evaluated: 2022-07-12. Review status: criteria provided, single submitter. Criteria: ACMG Guidelines, 2015. Collection method: clinical testing. Allele origin: germline.